The following is an entry in ClinVar:

NM_001201543.2(FAM161A):c.1355_1356del (p.Thr452fs)

Gene: FAM161A (FAM161 centrosomal protein A; minus strand). Cytogenetic location: 2p15.
Variant type: Deletion.
Coding change: c.1355_1356del on transcript NM_001201543.2 (MANE Select); coding-DNA positions 1355 to 1356, 2 bases deleted (CA; older notation c.1355_1356delCA).
Protein change: p.Thr452fs; shifts the reading frame from threonine 452.
Molecular consequence: frameshift variant. On other transcripts: non-coding transcript variant (1).
Genome position (GRCh38, 1-based): chr2:61,839,648-61,839,649, TG deleted on the plus strand (CA on the coding strand, the reverse complement: FAM161A is on the minus strand); deleting any 2 consecutive bases within chr2:61,839,648-61,839,650 gives the same sequence; the c. name uses the placement nearest the transcript's 3' end. VCF-style (leftmost placement, unchanged base first): chr2-61839647-CTG-C. GRCh37 (hg19) VCF-style: chr2-62066782-CTG-C.
Other names: c.1355_1356delCA (NM_001201543.2); c.1355_1356del (NM_001201543.1); c.1355_1356del, p.Thr452fs (NM_032180.3); short protein forms T452fs.
Identifiers: ClinVar variation 37 (VCV000000037.53), dbSNP rs397704718, ClinGen allele CA251357.
Genomic context (GRCh38, chr2:61,839,647, plus strand): 5'-AAATTTTTTCTCTTTTAATAGATGCATGTGGAGATGCATGAAGATCAAATGGTTTACACA[CTG>C]TTAAGAGTTTTGGAGACTTGTGTTCTGAGAGGTGTTTCTGGTATCTCTCAGGAAGGTCCT-3'

ClinVar aggregate classification (germline): Pathogenic. Review status: criteria provided, multiple submitters, no conflicts (2 of 4 stars). 19 submissions from 19 submitters: Pathogenic (15). 4 of the submissions do not count toward it. Last evaluated 2026-09-22.

Conditions:
FAM161A-related disorder. Also called: FAM161A-related condition.
Retinal dystrophy. Also called: Inherited retinal dystrophy. Identifiers: Orphanet 71862, MedGen C0854723, MeSH D058499, MONDO:0019118, HP:0000556.
Retinitis pigmentosa (RP). Identifiers: Orphanet 791, MedGen C0035334, MeSH D012174, MONDO:0019200, OMIM 268000. Inheritance: Autosomal dominant, autosomal recessive and X linked inheritance.
Retinitis pigmentosa 28 (RP28). Identifiers: Orphanet 791, MedGen C1419614, MONDO:0011630, OMIM 606068.

Submissions (19):

PreventionGenetics, part of Exact Sciences
Classification: Pathogenic for FAM161A-related condition. Last evaluated: 2026-09-22. Review status: criteria provided, single submitter. Criteria: ACMG Guidelines, 2015. Collection method: clinical testing. Allele origin: germline.
Comment: The FAM161A c.1355_1356delCA variant is predicted to result in a frameshift and premature protein termination (p.Thr452Serfs*3). This variant has been reported in individuals with autosomal recessive retinitis pigmentosa (Bandah-Rozenfeld et al. 2010. PubMed ID: 20705279; Venturini et al. 2014. PubMed ID: 24651477; Table S1 in Beryozkin et al. 2020. PubMed ID: 32938956). This variant is reported in 0.21% of alleles in individuals of Ashkenazi Jewish descent in gnomAD. Frameshift variants in FAM161A are expected to be pathogenic, and this variant has been classified as pathogenic by multiple independent submitters to the ClinVar database. We interpret c.1355_1356del (p.Thr452Serfs*3) as pathogenic.

Labcorp Genetics (formerly Invitae), Labcorp
Classification: Pathogenic. Last evaluated: 2025-12-14. Review status: criteria provided, single submitter. Criteria: Invitae Variant Classification Sherloc (09022015). Collection method: clinical testing. Allele origin: germline.
Comment: This sequence change creates a premature translational stop signal (p.Thr452Serfs*3) in the FAM161A gene. It is expected to result in an absent or disrupted protein product. Loss-of-function variants in FAM161A are known to be pathogenic (PMID: 20705278, 20705279, 24651477). This variant is present in population databases (rs397704718, gnomAD 0.2%). This premature translational stop signal has been observed in individuals with autosomal recessive retinitis pigmentosa (PMID: 20705279, 24651477). ClinVar contains an entry for this variant (Variation ID: 37). For these reasons, this variant has been classified as Pathogenic.

First Genomix Gene Laboratory, Genetic Diagnostics Department
Classification: Pathogenic for Retinitis pigmentosa 28. Last evaluated: 2025-09-15. Review status: criteria provided, single submitter. Criteria: ACMG Guidelines, 2015. Collection method: clinical testing. Allele origin: germline. Inheritance: Autosomal recessive inheritance. Affected: no. Observed: 1 variant allele.

Natera, Inc.
Classification: Pathogenic for Retinitis pigmentosa type 28. Last evaluated: 2025-08-21. Review status: criteria provided, single submitter. Criteria: Natera Variant Classification Schema (03/2026). Collection method: clinical testing. Allele origin: germline.
Comment: The c.1355_1356delCA variant in FAM161A is a frameshift variant predicted to shift the reading frame beginning at codon 452 and leads to a stop codon 3 codons downstream. This variant is expected to result in nonsense mediated decay, truncation, or a dysfunctional protein product. This variant is rare in the general population with a frequency below the threshold expected for the associated phenotype(s). This variant has been observed in one or more individuals affected with the associated recessive disease, as either homozygous or compound heterozygous with a second variant (PMID: 20705279). Additionally, this variant has been observed to segregate in affected family members (PMID: 20705279). Given the available evidence, this variant is classified as Pathogenic.

GeneDx
Classification: Pathogenic. Last evaluated: 2025-06-23. Review status: criteria provided, single submitter. Criteria: GeneDx Variant Classification Process June 2021. Collection method: clinical testing. Allele origin: germline. Affected: yes.
Comment: Frameshift variant predicted to result in protein truncation or nonsense mediated decay in a gene for which loss of function is a known mechanism of disease; This variant is associated with the following publications: (PMID: 20705279, 32483926, 34758253, 23891399, 31108397, 31814694, 31980526, 31964843, 37217489, 34906470, 32938956, 31589614, 24651477)

Variantyx, Inc.
Classification: Pathogenic for Retinitis pigmentosa 28. Last evaluated: 2025-04-17. Review status: criteria provided, single submitter. Criteria: Variantyx Assertion Criteria 2022. Collection method: clinical testing. Allele origin: germline. Inheritance: Autosomal recessive inheritance. Affected: no.
Comment: This is a frameshift variant in the FAM161A gene (OMIM: 613596). Pathogenic variants in this gene have been associated with autosomal recessive retinitis pigmentosa 28. This variant introduces a premature termination codon in exon 3 out of 7 and is expected to result in loss of function, which is a known disease mechanism for FAM161A in this disorder (PMID: 20705279) (PVS1). It has been identified in the homozygous or compound heterozygous state in several individuals reported in the published literature (PMID: 20705279) (PM3_Strong) and observed to segregate with disease in at least 13 individuals from 8 families (PMID: 20705279) (PP1). This variant has a 0.0083% maximum allele frequency in non-founder control populations (PM2). Based on the current evidence, this variant is classified as pathogenic for autosomal recessive retinitis pigmentosa 28.

Revvity Omics, Revvity
Classification: Pathogenic for Retinitis pigmentosa 28. Last evaluated: 2025-04-09. Review status: criteria provided, single submitter. Criteria: ACMG Guidelines, 2015. Collection method: clinical testing. Allele origin: germline.

Lab De Baere, Eye and Developmental Genetics Lab, Ghent University
Classification: Pathogenic for Retinitis pigmentosa. Last evaluated: 2024-10-01. Review status: criteria provided, single submitter. Criteria: ACMG Guidelines, 2015. Collection method: research. Allele origin: inherited. Affected: yes. Observed: 1 variant allele.
Comment: ACMG/AMP guidelines: PM2, PP5, PVS1, PP1_PM, PM3_2

Fulgent Genetics
Classification: Pathogenic for Retinitis pigmentosa 28. Last evaluated: 2024-03-07. Review status: criteria provided, single submitter. Criteria: ACMG Guidelines, 2015. Collection method: clinical testing. Allele origin: germline.

3billion
Classification: Pathogenic for Retinitis pigmentosa 28. Last evaluated: 2024-01-24. Review status: criteria provided, single submitter. Criteria: ACMG Guidelines, 2015. Collection method: clinical testing. Allele origin: germline. Affected: yes.
Comment: The variant is observed at an extremely low frequency in the gnomAD v2.1.1 dataset (total allele frequency: 0.010%). Predicted Consequence/Location: Frameshift: predicted to result in a loss or disruption of normal protein function through nonsense-mediated decay (NMD) or protein truncation. Multiple pathogenic variants are reported downstream of the variant. The variant has been reported at least twice as pathogenic with clinical assertions and evidence for the classification (ClinVar ID: VCV000000037 /PMID: 20705279 /3billion dataset). Therefore, this variant is classified as Pathogenic according to the recommendation of ACMG/AMP guideline.

CeGaT Center for Human Genetics Tuebingen
Classification: Pathogenic. Last evaluated: 2023-12-01. Review status: criteria provided, single submitter. Criteria: CeGaT Center For Human Genetics Tuebingen Variant Classification Criteria Version 2. Collection method: clinical testing. Allele origin: germline. Affected: yes. Observed: 1 variant allele.
Comment: FAM161A: PVS1, PM2

Blueprint Genetics
Classification: Pathogenic for FAM161A-related disorders. Last evaluated: 2023-06-28. Review status: criteria provided, single submitter. Criteria: ACMG Guidelines, 2015. Collection method: clinical testing. Allele origin: germline. Affected: yes. Observed: 5 variant alleles.

Institute of Human Genetics, Univ. Regensburg, Univ. Regensburg
Classification: Pathogenic for Retinal dystrophy. Last evaluated: 2023-01-01. Review status: criteria provided, single submitter. Criteria: ACMG Guidelines, 2015. Collection method: clinical testing. Allele origin: germline. Affected: yes.

Ocular Genomics Institute, Massachusetts Eye and Ear
Classification: Pathogenic for Retinitis pigmentosa 28. Last evaluated: 2021-04-08. Review status: criteria provided, single submitter. Criteria: ACMG Guidelines, 2015. Collection method: research. Allele origin: germline. Affected: yes.
Comment: Through a review of available evidence we were able to apply the following criteria: PVS1, PM2, PM3. Based on this evidence we have classified this variant as Pathogenic.

Eurofins Ntd Llc (ga)
Classification: Pathogenic. Last evaluated: 2016-11-02. Review status: criteria provided, single submitter. Criteria: EGL Classification Definitions 2015. Collection method: clinical testing. Allele origin: germline. Observed: 1 variant allele, 1 heterozygote.

Sharon lab, Hadassah-Hebrew University Medical Center
Classification: Pathogenic for Retinitis pigmentosa. Last evaluated: 2019-06-23. Review status: no assertion criteria provided. Collection method: research. Allele origin: inherited. Affected: yes. Not counted in ClinVar's aggregate classification.

Counsyl
Classification: Pathogenic for Retinitis pigmentosa 28. Last evaluated: 2016-10-18. Review status: no assertion criteria provided. Collection method: clinical testing. Allele origin: unknown. Not counted in ClinVar's aggregate classification.

OMIM
Classification: Pathogenic for RETINITIS PIGMENTOSA 28. Last evaluated: 2010-09-10. Review status: no assertion criteria provided. Collection method: literature only. Allele origin: germline. Not counted in ClinVar's aggregate classification.

Genomics England Pilot Project, Genomics England
Classification: Pathogenic for Retinitis pigmentosa 28. Review status: no assertion criteria provided. Criteria: ACGS Guidelines, 2016. Collection method: clinical testing. Allele origin: germline. Affected: yes. Not counted in ClinVar's aggregate classification.

Literature cited by the submitters: PubMed 20705278 (cited by Labcorp Genetics (formerly Invitae), Labcorp); PubMed 20705279 (cited by 8 submitters); PubMed 24651477 (cited by 3 submitters); PubMed 31589614 (cited by Institute of Human Genetics, Univ. Regensburg, Univ. Regensburg); PubMed 31814694 (cited by Institute of Human Genetics, Univ. Regensburg, Univ. Regensburg); PubMed 31108397 (cited by Institute of Human Genetics, Univ. Regensburg, Univ. Regensburg); PubMed 32938956 (cited by Institute of Human Genetics, Univ. Regensburg, Univ. Regensburg); PubMed 32483926 (cited by Institute of Human Genetics, Univ. Regensburg, Univ. Regensburg); PubMed 31964843 (cited by Institute of Human Genetics, Univ. Regensburg, Univ. Regensburg); PubMed 31980526 (cited by Institute of Human Genetics, Univ. Regensburg, Univ. Regensburg); PubMed 34758253 (cited by Institute of Human Genetics, Univ. Regensburg, Univ. Regensburg).